The following is an entry in ClinVar:

NM_001257.5(CDH13):c.1099G>C (p.Glu367Gln)

Gene: CDH13 (cadherin 13; plus strand). Cytogenetic location: 16q23.3.
Variant type: single nucleotide variant.
Coding change: c.1099G>C on transcript NM_001257.5 (MANE Select); coding-DNA position 1099, G replaced by C.
Protein change: p.Glu367Gln; replaces glutamic acid 367 with glutamine.
Molecular consequence: missense variant.
Genome position (GRCh38, 1-based): chr16:83,602,592, G>C. VCF-style: chr16-83602592-G-C. GRCh37 (hg19) VCF-style: chr16-83636197-G-C.
Other names: c.1240G>C, p.Glu414Gln (NM_001220488.2); c.982G>C, p.Glu328Gln (NM_001220489.2); c.337G>C, p.Glu113Gln (NM_001220490.2); c.1240G>C (NM_001220488.1); short protein forms E328Q, E367Q, E414Q, E113Q.
Identifiers: ClinVar variation 781728 (VCV000781728.6), dbSNP rs200000145, ClinGen allele CA8196635.

ClinVar aggregate classification (germline): Likely benign. Review status: criteria provided, multiple submitters, no conflicts (2 of 4 stars). 3 submissions from 3 submitters: Likely benign (2). 1 of the submissions does not count toward it. Last evaluated 2018-08-29.

Conditions:
CDH13-related disorder. Also called: CDH13-related condition.

Allele frequency attached by ClinVar (database versions not stated): ESP Exome Variant Server 0.00106; ExAC 0.00125; 1000 Genomes Project 0.00080; TOPMed 0.00101; gnomAD 0.00108 and 0.00109; 1000 Genomes Project 30x 0.00062; gnomAD exomes 0.00123.
gnomAD v4.1: 2,048 of 1,613,892 alleles (0.13%); highest among the groups gnomAD compares: Middle Eastern, 0.2%; 5 homozygotes.

Submissions (3):

Labcorp Genetics (formerly Invitae), Labcorp
Classification: Likely benign. Last evaluated: 2018-08-29. Review status: criteria provided, single submitter. Criteria: Invitae Variant Classification Sherloc (09022015). Collection method: clinical testing. Allele origin: germline.

Breakthrough Genomics
Classification: Likely benign. Review status: criteria provided, single submitter. Criteria: ACMG Guidelines, 2015. Collection method: not provided. Allele origin: germline. Inheritance: Unknown mechanism. Affected: yes.

PreventionGenetics, part of Exact Sciences
Classification: Likely benign for CDH13-related condition. Last evaluated: 2019-09-20. Review status: no assertion criteria provided. Collection method: clinical testing. Allele origin: germline. Not counted in ClinVar's aggregate classification.
Comment: This variant is classified as likely benign based on ACMG/AMP sequence variant interpretation guidelines (Richards et al. 2015 PMID: 25741868, with internal and published modifications).